The following is an entry in ClinVar:

NM_000069.3(CACNA1S):c.844A>G (p.Met282Val)

Gene: CACNA1S (calcium voltage-gated channel subunit alpha1 S; minus strand). Cytogenetic location: 1q32.1.
Variant type: single nucleotide variant.
Coding change: c.844A>G on transcript NM_000069.3 (MANE Select); coding-DNA position 844, A replaced by G.
Protein change: p.Met282Val; replaces methionine 282 with valine.
Molecular consequence: missense variant.
Genome position (GRCh38, 1-based): chr1:201,089,314, T>C on the plus strand (A>G on the coding strand, the complement: CACNA1S is on the minus strand). VCF-style: chr1-201089314-T-C. GRCh37 (hg19) VCF-style: chr1-201058442-T-C.
Other names: short protein forms M282V.
Identifiers: ClinVar variation 3070193 (VCV003070193.4), dbSNP rs1467615884, ClinGen allele CA344134990.

ClinVar aggregate classification (germline): Uncertain significance. Review status: criteria provided, multiple submitters, no conflicts (2 of 4 stars). 3 submissions from 3 submitters: Uncertain significance (3). Last evaluated 2025-06-23.

Conditions:
Hypokalemic periodic paralysis, type 1. Also called: Hypokalemic Periodic Paralysis Type 1 (AD); HypoPP. Identifiers: Orphanet 681, MedGen C3714580, MONDO:0042979, OMIM 170400.
Malignant hyperthermia, susceptibility to, 5 (MHS5). Also called: CACNA1S-Related Malignant Hyperthermia Susceptibility. Identifiers: Orphanet 423, MedGen C1866077, MONDO:0011163, OMIM 601887.

Allele frequency attached by ClinVar (database versions not stated): gnomAD exomes below 0.00001; TOPMed below 0.00001; gnomAD 0.00002.
gnomAD v4.1: 9 of 1,614,140 alleles (0.00056%); highest among the groups gnomAD compares: South Asian, 0.0011%; no homozygotes.

Submissions (3):

Color Diagnostics, LLC DBA Color Health
Classification: Uncertain significance for Malignant hyperthermia, susceptibility to, 5. Last evaluated: 2025-06-23. Review status: criteria provided, single submitter. Criteria: ACMG Guidelines, 2015. Collection method: clinical testing. Allele origin: germline.
Comment: This missense variant replaces methionine with valine at codon 282 of the CACNA1S protein. Computational prediction suggests that this variant may have deleterious impact on protein structure and function. To our knowledge, functional studies have not been reported for this variant. This variant has not been reported in individuals affected with CACNA1S-related disorders in the literature. This variant has not been identified in the general population by the Genome Aggregation Database (gnomAD). The available evidence is insufficient to determine the role of this variant in disease conclusively. Therefore, this variant is classified as a Variant of Uncertain Significance.

Labcorp Genetics (formerly Invitae), Labcorp
Classification: Uncertain significance for Hypokalemic periodic paralysis, type 1; Malignant hyperthermia, susceptibility to, 5. Last evaluated: 2025-01-30. Review status: criteria provided, single submitter. Criteria: Invitae Variant Classification Sherloc (09022015). Collection method: clinical testing. Allele origin: germline.
Comment: This sequence change replaces methionine, which is neutral and non-polar, with valine, which is neutral and non-polar, at codon 282 of the CACNA1S protein (p.Met282Val). This variant is present in population databases (no rsID available, gnomAD 0.01%). This variant has not been reported in the literature in individuals affected with CACNA1S-related conditions. ClinVar contains an entry for this variant (Variation ID: 3070193). Invitae Evidence Modeling of protein sequence and biophysical properties (such as structural, functional, and spatial information, amino acid conservation, physicochemical variation, residue mobility, and thermodynamic stability) has been performed for this missense variant. However, the output from this modeling did not meet the statistical confidence thresholds required to predict the impact of this variant on CACNA1S protein function. In summary, the available evidence is currently insufficient to determine the role of this variant in disease. Therefore, it has been classified as a Variant of Uncertain Significance.

All of Us Research Program, National Institutes of Health
Classification: Uncertain significance for Malignant hyperthermia, susceptibility to, 5. Last evaluated: 2023-04-03. Review status: criteria provided, single submitter. Criteria: ACMG Guidelines, 2015. Collection method: clinical testing. Allele origin: germline. Inheritance: Autosomal dominant inheritance. Observed: 1 variant allele, 1 heterozygote.
Comment: This missense variant replaces methionine with valine at codon 282 of the CACNA1S protein. Computational prediction suggests that this variant may have deleterious impact on protein structure and function (internally defined REVEL score threshold >= 0.7, PMID: 27666373). To our knowledge, functional studies have not been reported for this variant. This variant has not been reported in individuals affected with CACNA1S-related disorders in the literature. This variant has not been identified in the general population by the Genome Aggregation Database (gnomAD). The available evidence is insufficient to determine the role of this variant in disease conclusively. Therefore, this variant is classified as a Variant of Uncertain Significance.

This study involves interpretation of variants in research participants for the purpose of population health screening. Participant phenotype was not available at the time of variant classification. Additional details can be found in publication PMID: 35346344, PMCID: PMC8962531